The following is an entry in ClinVar:

ClinVar aggregate classification (germline): Uncertain significance. Review status: criteria provided, multiple submitters, no conflicts (2 of 4 stars). 4 submissions from 4 submitters: Uncertain significance (4). Last evaluated 2026-01-22.

Conditions:
Inborn genetic diseases. Identifiers: MedGen C0950123, MeSH D030342.
Cutis laxa, X-linked (OHS). Also called: EDS IX; Occipital horn syndrome. Identifiers: Orphanet 198, MedGen C0268353, MONDO:0010572, OMIM 304150.
Menkes kinky-hair syndrome (MNK). Also called: Classic Menkes Disease; Copper transport disease; Menkes Disease. Identifiers: Orphanet 565, MedGen C0022716, MONDO:0010651, OMIM 309400.
X-linked distal spinal muscular atrophy type 3. Also called: SPINAL MUSCULAR ATROPHY, DISTAL, X-LINKED RECESSIVE; ATP7A-Related Distal Motor Neuropathy; NEURONOPATHY, DISTAL HEREDITARY MOTOR, X-LINKED; NEUROPATHY, DISTAL HEREDITARY MOTOR, X-LINKED. Identifiers: Orphanet 139557, MedGen C1845359, MONDO:0010338, OMIM 300489.

Allele frequency attached by ClinVar (database versions not stated): gnomAD exomes below 0.00001.
gnomAD v4.1: 2 of 1,210,637 alleles (0.00017%); highest among the groups gnomAD compares: Non-Finnish European, 0.00022%; no homozygotes.

Submissions (4):

Labcorp Genetics (formerly Invitae), Labcorp
Classification: Uncertain significance for X-linked distal spinal muscular atrophy type 3; Cutis laxa, X-linked; Menkes kinky-hair syndrome. Last evaluated: 2026-01-22. Review status: criteria provided, single submitter. Criteria: Invitae Variant Classification Sherloc (09022015). Collection method: clinical testing. Allele origin: germline.
Comment: This sequence change replaces histidine, which is basic and polar, with arginine, which is basic and polar, at codon 605 of the ATP7A protein (p.His605Arg). This variant is not present in population databases (gnomAD no frequency). This missense change has been observed in individual(s) with ATP7A-related conditions (PMID: 37432431). ClinVar contains an entry for this variant (Variation ID: 465107). Invitae Evidence Modeling of protein sequence and biophysical properties (such as structural, functional, and spatial information, amino acid conservation, physicochemical variation, residue mobility, and thermodynamic stability) indicates that this missense variant is not expected to disrupt ATP7A protein function with a negative predictive value of 95%. In summary, the available evidence is currently insufficient to determine the role of this variant in disease. Therefore, it has been classified as a Variant of Uncertain Significance.

ARUP Laboratories, Molecular Genetics and Genomics, ARUP Laboratories
Classification: Uncertain significance. Last evaluated: 2025-03-04. Review status: criteria provided, single submitter. Criteria: ARUP Molecular Germline Variant Investigation Process 2024. Collection method: clinical testing. Allele origin: germline.

Ambry Genetics
Classification: Uncertain significance for Inborn genetic diseases. Last evaluated: 2024-09-25. Review status: criteria provided, single submitter. Criteria: Ambry Variant Classification Scheme 2023. Collection method: clinical testing. Allele origin: germline.

Athena Diagnostics
Classification: Uncertain significance. Last evaluated: 2021-04-28. Review status: criteria provided, single submitter. Criteria: Athena Diagnostics Criteria. Collection method: clinical testing. Allele origin: unknown.
Comment: This observation is not an independent occurrence and has been identified in the same individual by RCIGM, the other laboratory participating in the GEMINI study.

Literature cited by the submitters: PubMed 37432431 (cited by Labcorp Genetics (formerly Invitae), Labcorp).

NM_000052.7(ATP7A):c.1814A>G (p.His605Arg)

Gene: ATP7A (ATPase copper transporting alpha; plus strand). Cytogenetic location: Xq21.1.
Variant type: single nucleotide variant.
Coding change: c.1814A>G on transcript NM_000052.7 (MANE Select); coding-DNA position 1814, A replaced by G.
Protein change: p.His605Arg; replaces histidine 605 with arginine.
Molecular consequence: missense variant.
Genome position (GRCh38, 1-based): chrX:78,009,208, A>G. VCF-style: chrX-78009208-A-G. GRCh37 (hg19) VCF-style: chrX-77264705-A-G.
Other names: c.1814A>G, p.His605Arg (NM_001282224.2); c.1814A>G (NM_000052.4); short protein forms H605R.
Identifiers: ClinVar variation 465107 (VCV000465107.15), dbSNP rs1020034878, ClinGen allele CA331095563.
Genomic context (GRCh38, chrX:78,009,208, plus strand): 5'-GTCTCACAAAACACAGAGGGATCCTATACTGCTCCGTGGCCCTGGCAACCAACAAAGCAC[A>G]TATTAAATATGACCCAGAAATTATTGGTCCTAGAGATATTATCCATACAATTGAAGTAAG-3'
Protein context (NP_000043.4, residues 595-615): CSVALATNKA[His605Arg]IKYDPEIIGP